The following is an entry in ClinVar:

ClinVar aggregate classification (germline): Likely pathogenic (1 of 4 stars; one submission).

Conditions:
Methylcobalamin deficiency type cblE (HMAE). Also called: HOMOCYSTINURIA-MEGALOBLASTIC ANEMIA, cblE COMPLEMENTATION TYPE; VITAMIN B12-RESPONSIVE HOMOCYSTINURIA, cblE TYPE; HOMOCYSTINURIA-MEGALOBLASTIC ANEMIA, cblE TYPE. Identifiers: Orphanet 2169, Orphanet 622, MedGen C1856057, MONDO:0009354, OMIM 236270.

Submission:

Foundation for Research in Genetics and Endocrinology, FRIGE's Institute of Human Genetics
Classification: Likely pathogenic for Methylcobalamin deficiency type cblE. Last evaluated: 2026-04-09. Review status: criteria provided, single submitter. Criteria: ACMG Guidelines, 2015. Collection method: clinical testing. Allele origin: germline. Inheritance: Autosomal recessive inheritance. Affected: yes. Observed: 1 variant allele, 1 compound heterozygote.
Comment: The identified heterozygous variant causes deletion of exon 6-11 of the MTRR gene. In the ClinVar database, a variant [annotated as, g.(?_7883145)_(7892923_?)del] causing deletion of exon 6-11 of the MTRR gene has been reported as 'likely pathogenic' (VCV000832885.7) with respect to methylcobalamin deficiency type cblE. The deletion of exon 9-14 (VCV001507547.7) of the MTRR gene has been reported as 'likely pathogenic' in the ClinVar database with respect to methylcobalamin deficiency type cblE. The identified variant causes the deletion of exon 6-11 of the MTRR gene, which might result in loss-of-function. The deletion of exon 6-11 of the MTRR gene has been associated with methylcobalamin deficiency type cblE. Thus, this variant has been labelled as 'likely pathogenic'.

NM_002454.3:c.(780+1_781-1)_(1557+1_1558-1)del

Gene: MTRR (5-methyltetrahydrofolate-homocysteine methyltransferase reductase; plus strand).
Variant type: Deletion.
Other names: c.(780+1_781-1)_(1557+1_1558-1)del (NM_002454.3).
Identifiers: ClinVar variation 4879332 (VCV004879332.1).